The following is an entry in ClinVar:

ClinVar aggregate classification (germline): Uncertain significance. Review status: criteria provided, multiple submitters, no conflicts (2 of 4 stars). 6 submissions from 5 submitters: Uncertain significance (6). Last evaluated 2026-08-24.

Conditions:
USH2A-related disorder. Also called: USH2A-related condition; USH2A-related disorders. Identifiers: MedGen CN239332.
Inborn genetic diseases. Identifiers: MedGen C0950123, MeSH D030342.
Usher syndrome type 2A. Also called: USHER SYNDROME, TYPE IIA; RETINAL DISEASE IN USHER SYNDROME TYPE IIA, MODIFIER OF. Identifiers: Orphanet 231178, Orphanet 886, MedGen C1848634, MONDO:0010169, OMIM 276901.
Retinitis pigmentosa 39 (RP39). Identifiers: Orphanet 791, MedGen C3151138, MONDO:0013436, OMIM 613809.

Allele frequency attached by ClinVar (database versions not stated): gnomAD exomes 0.00003 and 0.00002; ExAC 0.00001; gnomAD 0.00002; TOPMed 0.00002.
gnomAD v4.1: 36 of 1,613,950 alleles (0.0022%); highest among the groups gnomAD compares: Non-Finnish European, 0.003%; no homozygotes.

Submissions (6):

PreventionGenetics, part of Exact Sciences
Classification: Uncertain significance for USH2A-related condition. Last evaluated: 2026-08-24. Review status: criteria provided, single submitter. Criteria: ACMG Guidelines, 2015. Collection method: clinical testing. Allele origin: germline.
Comment: The USH2A c.6133C>T variant is predicted to result in the amino acid substitution p.His2045Tyr. To our knowledge, this variant has not been reported in the literature. This variant is reported in 0.0054% of alleles in individuals of European (Non-Finnish) descent in gnomAD. At this time, the clinical significance of this variant is uncertain due to the absence of conclusive functional and genetic evidence.

Ambry Genetics
Classification: Uncertain significance for Inborn genetic diseases. Last evaluated: 2025-05-29. Review status: criteria provided, single submitter. Criteria: Ambry Variant Classification Scheme 2023. Collection method: clinical testing. Allele origin: germline.

GeneDx
Classification: Uncertain significance. Last evaluated: 2024-10-31. Review status: criteria provided, single submitter. Criteria: GeneDx Variant Classification Process June 2021. Collection method: clinical testing. Allele origin: germline. Affected: yes.
Comment: Not observed at significant frequency in large population cohorts (gnomAD); In silico analysis indicates that this missense variant does not alter protein structure/function; Has not been previously published as pathogenic or benign to our knowledge

Genome-Nilou Lab
Classification: Uncertain significance for Retinitis pigmentosa 39. Last evaluated: 2023-11-04. Review status: criteria provided, single submitter. Criteria: ACMG Guidelines, 2015. Collection method: clinical testing. Allele origin: germline. Affected: no.

Genome-Nilou Lab
Classification: Uncertain significance for Usher syndrome type 2A. Last evaluated: 2023-11-04. Review status: criteria provided, single submitter. Criteria: ACMG Guidelines, 2015. Collection method: clinical testing. Allele origin: germline. Affected: no.

Labcorp Genetics (formerly Invitae), Labcorp
Classification: Uncertain significance. Last evaluated: 2022-03-10. Review status: criteria provided, single submitter. Criteria: Invitae Variant Classification Sherloc (09022015). Collection method: clinical testing. Allele origin: germline.
Comment: This sequence change replaces histidine, which is basic and polar, with tyrosine, which is neutral and polar, at codon 2045 of the USH2A protein (p.His2045Tyr). This variant is present in population databases (rs749333215, gnomAD 0.005%). This variant has not been reported in the literature in individuals affected with USH2A-related conditions. ClinVar contains an entry for this variant (Variation ID: 450310). Algorithms developed to predict the effect of missense changes on protein structure and function are either unavailable or do not agree on the potential impact of this missense change (SIFT: "Deleterious"; PolyPhen-2: "Benign"; Align-GVGD: "Class C15"). In summary, the available evidence is currently insufficient to determine the role of this variant in disease. Therefore, it has been classified as a Variant of Uncertain Significance.

NM_206933.4(USH2A):c.6133C>T (p.His2045Tyr)

Gene: USH2A (usherin; minus strand). Cytogenetic location: 1q41.
Variant type: single nucleotide variant.
Coding change: c.6133C>T on transcript NM_206933.4 (MANE Select); coding-DNA position 6133, C replaced by T.
Protein change: p.His2045Tyr; replaces histidine 2045 with tyrosine.
Molecular consequence: missense variant.
Genome position (GRCh38, 1-based): chr1:216,048,564, G>A on the plus strand (C>T on the coding strand, the complement: USH2A is on the minus strand). VCF-style: chr1-216048564-G-A. GRCh37 (hg19) VCF-style: chr1-216221906-G-A.
Other names: short protein forms H2045Y.
Identifiers: ClinVar variation 450310 (VCV000450310.12), dbSNP rs749333215, ClinGen allele CA1395228.